The following is an entry in ClinVar:

NM_025074.7(FRAS1):c.310-6A>T

Gene: FRAS1 (Fraser extracellular matrix complex subunit 1; plus strand). Cytogenetic location: 4q21.21.
Variant type: single nucleotide variant.
Coding change: c.310-6A>T on transcript NM_025074.7 (MANE Select); 6 bases into the intron before coding-DNA position 310, A replaced by T.
Molecular consequence: intron variant.
Genome position (GRCh38, 1-based): chr4:78,252,386, A>T. VCF-style: chr4-78252386-A-T. GRCh37 (hg19) VCF-style: chr4-79173540-A-T.
Other names: c.310-6A>T (NM_001166133.2).
Identifiers: ClinVar variation 735715 (VCV000735715.10), dbSNP rs373521748, ClinGen allele CA2975912.
Genomic context (GRCh38, chr4:78,252,386, plus strand): 5'-TTTGGCTGAATGAAAGCCTGTGTTTTGGCACTAACCTTTTTTTTTTTCTGTCTCCCTAAC[A>T]CACAGCATGGGACAGAATGGGCCTCTTCTCCATGTAGTGTGTGCTCTTGCAATCATGGGG-3'

ClinVar aggregate classification (germline): Likely benign. Review status: criteria provided, single submitter (1 of 4 stars). 2 submissions from 2 submitters: Likely benign (1). 1 of the submissions does not count toward it. Last evaluated 2024-03-14.

Conditions:
FRAS1-related disorder. Also called: FRAS1-related condition.

Allele frequency attached by ClinVar (database versions not stated): gnomAD exomes 0.00006 and 0.00003; ExAC 0.00004; gnomAD 0.00004 and 0.00002; ESP Exome Variant Server 0.00008.
gnomAD v4.1: 49 of 1,611,424 alleles (0.003%); highest among the groups gnomAD compares: Admixed American, 0.02%; 1 homozygote.

Submissions (2):

Labcorp Genetics (formerly Invitae), Labcorp
Classification: Likely benign. Last evaluated: 2024-03-14. Review status: criteria provided, single submitter. Criteria: Invitae Variant Classification Sherloc (09022015). Collection method: clinical testing. Allele origin: germline.

PreventionGenetics, part of Exact Sciences
Classification: Likely benign for FRAS1-related condition. Last evaluated: 2021-12-09. Review status: no assertion criteria provided. Collection method: clinical testing. Allele origin: germline. Not counted in ClinVar's aggregate classification.
Comment: This variant is classified as likely benign based on ACMG/AMP sequence variant interpretation guidelines (Richards et al. 2015 PMID: 25741868, with internal and published modifications).